The following is an entry in ClinVar:

NM_000038.6(APC):c.730-163C>T

Gene: APC (APC regulator of WNT signaling pathway; plus strand). Cytogenetic location: 5q22.2.
Variant type: single nucleotide variant.
Coding change: c.730-163C>T on transcript NM_000038.6 (MANE Select); 163 bases into the intron before coding-DNA position 730, C replaced by T.
Molecular consequence: intron variant.
Genome position (GRCh38, 1-based): chr5:112,801,116, C>T. VCF-style: chr5-112801116-C-T. GRCh37 (hg19) VCF-style: chr5-112136813-C-T.
Other names: c.730-163C>T (NM_001354895.2, NM_001127510.3, NM_001354896.2 and 1 more transcripts); c.760-163C>T (NM_001354897.2, NM_001354902.2); c.676-163C>T (NM_001127511.3); c.655-163C>T (NM_001354898.2, NM_001354904.2); c.-306-163C>T (NM_001354906.2); c.646-163C>T (NM_001354899.2); c.553-163C>T (NM_001354900.2, NM_001354901.2, NM_001354905.2).
Identifiers: ClinVar variation 83040 (VCV000083040.2), dbSNP rs76905906, ClinGen allele CA013349.

ClinVar aggregate classification (germline): other (0 of 4 stars; one submission).

Conditions:
Familial colorectal cancer. Identifiers: MedGen CN280943, MONDO:0023113. Disease mechanism: loss of function.

Submission:

Systems Biology Platform Zhejiang California International NanoSystems Institute
Classification: other for Familial colorectal cancer. Review status: no assertion criteria provided. Collection method: not provided. Allele origin: unknown.
ClinVar note: Converted during submission from cancer to other.